The following is an entry in ClinVar:

NM_001041.4(SI):c.5109-3T>C

Gene: SI (sucrase-isomaltase; minus strand). Cytogenetic location: 3q26.1.
Variant type: single nucleotide variant.
Coding change: c.5109-3T>C on transcript NM_001041.4 (MANE Select); 3 bases into the intron before coding-DNA position 5109, T replaced by C.
Molecular consequence: intron variant.
Genome position (GRCh38, 1-based): chr3:164,987,229, A>G on the plus strand (T>C on the coding strand, the complement: SI is on the minus strand). VCF-style: chr3-164987229-A-G. GRCh37 (hg19) VCF-style: chr3-164705017-A-G.
Identifiers: ClinVar variation 903059 (VCV000903059.12), dbSNP rs202110241, ClinGen allele CA2689643.

ClinVar aggregate classification (germline): Conflicting classifications of pathogenicity. Review status: criteria provided, conflicting classifications (1 of 4 stars). 6 submissions from 6 submitters: Uncertain significance (4); Likely benign (1). 1 of the submissions does not count toward it. Last evaluated 2025-01-01.

Conditions:
SI-related disorder. Also called: SI-related condition.
Sucrase-isomaltase deficiency (CSID). Also called: SI DEFICIENCY; Congenital sucrose isomaltose malabsorption; Sucrose isomaltose enzyme deficiency; Deficiency of isomaltase. Identifiers: Orphanet 35122, MedGen C1283620, MONDO:0009114, OMIM 222900.

Allele frequency attached by ClinVar (database versions not stated): gnomAD 0.00002; TOPMed 0.00004; 1000 Genomes Project 30x 0.00016.
gnomAD v4.1: 69 of 1,610,598 alleles (0.0043%); highest among the groups gnomAD compares: Middle Eastern, 0.18%; 1 homozygote.

Submissions (6):

Labcorp Genetics (formerly Invitae), Labcorp
Classification: Uncertain significance. Last evaluated: 2025-01-01. Review status: criteria provided, single submitter. Criteria: Invitae Variant Classification Sherloc (09022015). Collection method: clinical testing. Allele origin: germline.
Comment: This sequence change falls in intron 44 of the SI gene. It does not directly change the encoded amino acid sequence of the SI protein. It affects a nucleotide within the consensus splice site. This variant is present in population databases (rs202110241, gnomAD 0.004%). This variant has not been reported in the literature in individuals affected with SI-related conditions. ClinVar contains an entry for this variant (Variation ID: 903059). Variants that disrupt the consensus splice site are a relatively common cause of aberrant splicing (PMID: 17576681, 9536098). Algorithms developed to predict the effect of sequence changes on RNA splicing suggest that this variant is not likely to affect RNA splicing. In summary, the available evidence is currently insufficient to determine the role of this variant in disease. Therefore, it has been classified as a Variant of Uncertain Significance.

Blueprint Genetics
Classification: Likely benign. Last evaluated: 2024-11-07. Review status: criteria provided, single submitter. Criteria: ACMG Guidelines, 2015. Collection method: clinical testing. Allele origin: germline.

Revvity Omics, Revvity
Classification: Uncertain significance for Sucrase-isomaltase deficiency. Last evaluated: 2020-02-28. Review status: criteria provided, single submitter. Criteria: ACMG Guidelines, 2015. Collection method: clinical testing. Allele origin: germline.

Illumina Laboratory Services, Illumina
Classification: Uncertain significance for Sucrase-isomaltase deficiency. Last evaluated: 2018-01-13. Review status: criteria provided, single submitter. Criteria: ICSL Variant Classification Criteria 13 December 2019. Collection method: clinical testing. Allele origin: germline.

Breakthrough Genomics
Classification: Uncertain significance. Review status: criteria provided, single submitter. Criteria: ACMG Guidelines, 2015. Collection method: not provided. Allele origin: germline. Inheritance: Autosomal recessive inheritance. Affected: yes.

PreventionGenetics, part of Exact Sciences
Classification: Likely benign for SI-related condition. Last evaluated: 2024-08-26. Review status: no assertion criteria provided. Collection method: clinical testing. Allele origin: germline. Not counted in ClinVar's aggregate classification.
Comment: This variant is classified as likely benign based on ACMG/AMP sequence variant interpretation guidelines (Richards et al. 2015 PMID: 25741868, with internal and published modifications).

Literature cited by the submitters: PubMed 17576681 (cited by Labcorp Genetics (formerly Invitae), Labcorp); PubMed 9536098 (cited by Labcorp Genetics (formerly Invitae), Labcorp).